The following is an entry in ClinVar:

ClinVar aggregate classification (germline): Uncertain significance. Review status: criteria provided, multiple submitters, no conflicts (2 of 4 stars). 3 submissions from 3 submitters: Uncertain significance (3). Last evaluated 2025-08-22.

Conditions:
Inborn genetic diseases. Identifiers: MedGen C0950123, MeSH D030342.

Allele frequency attached by ClinVar (database versions not stated): gnomAD 0.00001; gnomAD exomes 0.00001 and 0.00004; TOPMed 0.00003; ExAC 0.00004.
gnomAD v4.1: 21 of 1,612,842 alleles (0.0013%); highest among the groups gnomAD compares: Admixed American, 0.012%; no homozygotes.

Submissions (3):

Ambry Genetics
Classification: Uncertain significance for Inborn genetic diseases. Last evaluated: 2025-08-22. Review status: criteria provided, single submitter. Criteria: Ambry Variant Classification Scheme 2023. Collection method: clinical testing. Allele origin: germline.

Labcorp Genetics (formerly Invitae), Labcorp
Classification: Uncertain significance. Last evaluated: 2022-10-05. Review status: criteria provided, single submitter. Criteria: Invitae Variant Classification Sherloc (09022015). Collection method: clinical testing. Allele origin: germline.
Comment: This sequence change replaces valine, which is neutral and non-polar, with methionine, which is neutral and non-polar, at codon 491 of the WDR62 protein (p.Val491Met). This variant is present in population databases (rs768534840, gnomAD 0.02%). This variant has not been reported in the literature in individuals affected with WDR62-related conditions. ClinVar contains an entry for this variant (Variation ID: 1311646). Advanced modeling of protein sequence and biophysical properties (such as structural, functional, and spatial information, amino acid conservation, physicochemical variation, residue mobility, and thermodynamic stability) performed at Invitae indicates that this missense variant is not expected to disrupt WDR62 protein function. In summary, the available evidence is currently insufficient to determine the role of this variant in disease. Therefore, it has been classified as a Variant of Uncertain Significance.

GeneDx
Classification: Uncertain significance. Last evaluated: 2019-12-26. Review status: criteria provided, single submitter. Criteria: GeneDx Variant Classification Process June 2021. Collection method: clinical testing. Allele origin: germline. Affected: yes.
Comment: In silico analysis, which includes protein predictors and evolutionary conservation, supports that this variant does not alter protein structure/function; Has not been previously published as pathogenic or benign to our knowledge

NM_001083961.2(WDR62):c.1471G>A (p.Val491Met)

Gene: WDR62 (WD repeat domain 62; plus strand). Cytogenetic location: 19q13.12.
Variant type: single nucleotide variant.
Coding change: c.1471G>A on transcript NM_001083961.2 (MANE Select); coding-DNA position 1471, G replaced by A.
Protein change: p.Val491Met; replaces valine 491 with methionine.
Molecular consequence: missense variant.
Genome position (GRCh38, 1-based): chr19:36,083,162, G>A. VCF-style: chr19-36083162-G-A. GRCh37 (hg19) VCF-style: chr19-36574064-G-A.
Other names: c.1471G>A, p.Val491Met (NM_173636.5); short protein forms V491M.
Identifiers: ClinVar variation 1311646 (VCV001311646.4), dbSNP rs768534840, ClinGen allele CA9395616.
Genomic context (GRCh38, chr19:36,083,162, plus strand): 5'-CACCTGCAGGACATGTCACACTTCCCAGACCGGGGGAGCGAGAATGGGACACCCATGGAC[G>A]TGAAAGCCGGGGTGCGGGTCATGCAGGTCAGTCCTGACGGCCAGCATTTGGCTTCAGGCG-3'
Protein context (NP_001077430.1, residues 481-501): RGSENGTPMD[Val491Met]KAGVRVMQVS